The following is an entry in ClinVar:

NM_000540.3(RYR1):c.12779ACGAGG[1] (p.4260DE[1])

Gene: RYR1 (ryanodine receptor 1; plus strand). Cytogenetic location: 19q13.2.
Variant type: Microsatellite.
Coding change: c.12779ACGAGG[1] on transcript NM_000540.3 (MANE Select); one copy of the 6-base unit ACGAGG starting at c.12779; the reference has two copies in a row; one copy, 6 bases deleted; also written c.12785_12790del.
Protein change: p.4260DE[1].
Molecular consequence: inframe deletion.
Genome position (GRCh38, 1-based): chr19:38,565,119-38,565,124, ACGAGG deleted; deleting any 6 consecutive bases within chr19:38,565,112-38,565,124 gives the same sequence; the position shown is the placement nearest the transcript's 3' end. VCF-style (leftmost placement, unchanged base first): chr19-38565111-CGACGAG-C. GRCh37 (hg19) VCF-style: chr19-39055751-CGACGAG-C.
Other names: c.12785_12790delACGAGG (NM_000540.2); c.12764ACGAGG[1], p.4255DE[1] (NM_001042723.2); c.12785_12790del (NM_000540.3).
Identifiers: ClinVar variation 569674 (VCV000569674.14), dbSNP rs746833347, ClinGen allele CA059432.

ClinVar aggregate classification (germline): Uncertain significance. Review status: criteria provided, multiple submitters, no conflicts (2 of 4 stars). 5 submissions from 5 submitters: Uncertain significance (4). 1 of the submissions does not count toward it. Last evaluated 2024-11-12.

Conditions:
Central core myopathy (CMYO1A). Also called: CONGENITAL MYOPATHY 1A, AUTOSOMAL DOMINANT, WITH SUSCEPTIBILITY TO MALIGNANT HYPERTHERMIA; Central core disease; Myopathy, central fibrillar. Identifiers: Orphanet 597, MedGen C5830701, MONDO:0007294, OMIM 117000.
Malignant hyperthermia, susceptibility to, 1 (MHS1). Also called: RYR1-Related Malignant Hyperthermia Susceptibility; Anesthesia related hyperthermia; Malignant hyperpyrexia; Fulminating hyperpyrexia; Pharmacogenic myopathy; Malignant hyperthermia suceptibility 1. Identifiers: Orphanet 423, MedGen C2930980, MONDO:0007783, OMIM 145600.
Congenital myopathy with fiber type disproportion. Also called: Congenital fiber-type disproportion myopathy; Congenital fiber-type disproportion. Identifiers: Orphanet 2020, MedGen C0546264, MONDO:0009711. Inheritance: all.
Congenital multicore myopathy with external ophthalmoplegia (CMYO1B). Also called: Minicore myopathy with external ophthalmoplegia; Congenital myopathy 1B, autosomal recessive; Minicore myopathy; MULTIMINICORE DISEASE WITH EXTERNAL OPHTHALMOPLEGIA; MULTICORE MYOPATHY. Identifiers: Orphanet 598, Orphanet 98905, MedGen C1850674, MONDO:0009712, OMIM 255320, HP:0003789.
King Denborough syndrome (KDS). Identifiers: MedGen C1840365, MONDO:0020485, OMIM 619542.
RYR1-related disorder. Also called: RYR1-related condition; RYR1-related disorders. Identifiers: MedGen CN239331.

Submissions (5):

Revvity Omics, Revvity
Classification: Uncertain significance. Last evaluated: 2024-11-12. Review status: criteria provided, single submitter. Criteria: ACMG Guidelines, 2015. Collection method: clinical testing. Allele origin: germline.

Labcorp Genetics (formerly Invitae), Labcorp
Classification: Uncertain significance for RYR1-related disorder. Last evaluated: 2024-10-13. Review status: criteria provided, single submitter. Criteria: Invitae Variant Classification Sherloc (09022015). Collection method: clinical testing. Allele origin: germline.
Comment: This variant, c.12785_12790del, results in the deletion of 2 amino acid(s) of the RYR1 protein (p.Asp4262_Glu4263del), but otherwise preserves the integrity of the reading frame. This variant is present in population databases (rs746833347, gnomAD 0.04%). This variant has not been reported in the literature in individuals affected with RYR1-related conditions. ClinVar contains an entry for this variant (Variation ID: 569674). Experimental studies and prediction algorithms are not available or were not evaluated, and the functional significance of this variant is currently unknown. In summary, the available evidence is currently insufficient to determine the role of this variant in disease. Therefore, it has been classified as a Variant of Uncertain Significance.

Blueprint Genetics
Classification: Uncertain significance. Last evaluated: 2024-09-20. Review status: criteria provided, single submitter. Criteria: ACMG Guidelines, 2015. Collection method: clinical testing. Allele origin: germline.

Fulgent Genetics
Classification: Uncertain significance for Central core myopathy; Malignant hyperthermia, susceptibility to, 1; Congenital myopathy 4A, autosomal dominant; Congenital multicore myopathy with external ophthalmoplegia; King Denborough syndrome. Last evaluated: 2021-09-10. Review status: criteria provided, single submitter. Criteria: ACMG Guidelines, 2015. Collection method: clinical testing. Allele origin: unknown.

PreventionGenetics, part of Exact Sciences
Classification: Uncertain significance for RYR1-related condition. Last evaluated: 2024-02-14. Review status: no assertion criteria provided. Collection method: clinical testing. Allele origin: germline. Not counted in ClinVar's aggregate classification.
Comment: The RYR1 c.12785_12790del6 variant is predicted to result in an in-frame deletion (p.Asp4262_Glu4263del). To our knowledge, this variant has not been reported in the literature. This variant is reported in 0.039% of alleles in individuals of South Asian descent in gnomAD. At this time, the clinical significance of this variant is uncertain due to the absence of conclusive functional and genetic evidence.